The following is an entry in ClinVar:

NM_002528.7(NTHL1):c.87G>C (p.Gly29=)

Gene: NTHL1 (nth like DNA glycosylase 1; minus strand). Cytogenetic location: 16p13.3.
Variant type: single nucleotide variant.
Coding change: c.87G>C on transcript NM_002528.7 (MANE Select); coding-DNA position 87, G replaced by C.
Protein change: p.Gly29=; no amino-acid change (glycine 29 retained).
Molecular consequence: synonymous variant. On other transcripts: 5 prime UTR variant (1).
Genome position (GRCh38, 1-based): chr16:2,047,737, C>G on the plus strand (G>C on the coding strand, the complement: NTHL1 is on the minus strand). VCF-style: chr16-2047737-C-G. GRCh37 (hg19) VCF-style: chr16-2097738-C-G.
Other names: c.87G>C, p.Gly29= (NM_001318193.2); c.-92G>C (NM_001318194.2); c.111G>C (NM_002528.6).
Identifiers: ClinVar variation 1123293 (VCV001123293.12), dbSNP rs775360403, ClinGen allele CA492953549.

ClinVar aggregate classification (germline): Likely benign. Review status: criteria provided, multiple submitters, no conflicts (2 of 4 stars). 3 submissions from 3 submitters: Likely benign (3). Last evaluated 2025-03-13.

Conditions:
NTHL1-related disorder. Also called: NTHL1-related conditions; NTHL1-related condition.
Hereditary cancer-predisposing syndrome. Also called: Tumor predisposition; Hereditary Cancer Syndrome; Neoplastic Syndromes, Hereditary; Hereditary neoplastic syndrome. Identifiers: Orphanet 140162, MedGen C0027672, MeSH D009386, MONDO:0015356.

gnomAD v4.1: 3 of 1,585,100 alleles (0.00019%); highest among the groups gnomAD compares: Non-Finnish European, 0.00026%; no homozygotes.

Submissions (3):

Labcorp Genetics (formerly Invitae), Labcorp
Classification: Likely benign. Last evaluated: 2025-03-13. Review status: criteria provided, single submitter. Criteria: Invitae Variant Classification Sherloc (09022015). Collection method: clinical testing. Allele origin: germline.

PreventionGenetics, part of Exact Sciences
Classification: Likely benign for NTHL1-related condition. Last evaluated: 2024-10-15. Review status: criteria provided, single submitter. Criteria: ACMG Guidelines, 2015. Collection method: clinical testing. Allele origin: germline.
Comment: This variant is classified as likely benign based on ACMG/AMP sequence variant interpretation guidelines (Richards et al. 2015 PMID: 25741868, with internal and published modifications).

Ambry Genetics
Classification: Likely benign for Hereditary cancer-predisposing syndrome. Last evaluated: 2021-05-24. Review status: criteria provided, single submitter. Criteria: Ambry Variant Classification Scheme 2023. Collection method: clinical testing. Allele origin: germline.